The following is an entry in ClinVar:

NM_001142800.2(EYS):c.677G>A (p.Gly226Asp)

Gene: EYS (EGF-like photoreceptor maintenance factor; minus strand). Cytogenetic location: 6q12.
Variant type: single nucleotide variant.
Coding change: c.677G>A on transcript NM_001142800.2 (MANE Select); coding-DNA position 677, G replaced by A.
Protein change: p.Gly226Asp; replaces glycine 226 with aspartic acid.
Molecular consequence: missense variant.
Genome position (GRCh38, 1-based): chr6:65,494,734, C>T on the plus strand (G>A on the coding strand, the complement: EYS is on the minus strand). VCF-style: chr6-65494734-C-T. GRCh37 (hg19) VCF-style: chr6-66204627-C-T.
Other names: c.677G>A, p.Gly226Asp (NM_001142801.2, NM_001292009.2, NM_198283.2); short protein forms G226D.
Identifiers: ClinVar variation 2193309 (VCV002193309.2), dbSNP rs777941877, ClinGen allele CA3878036.

ClinVar aggregate classification (germline): Uncertain significance. Review status: criteria provided, multiple submitters, no conflicts (2 of 4 stars). 2 submissions from 2 submitters: Uncertain significance (2). Last evaluated 2022-04-11.

Allele frequency attached by ClinVar (database versions not stated): TOPMed below 0.00001; ExAC 0.00001; gnomAD 0.00001; gnomAD exomes 0.00001.
gnomAD v4.1: 8 of 1,612,468 alleles (0.0005%); highest among the groups gnomAD compares: Non-Finnish European, 0.00068%; no homozygotes.

Submissions (2):

Labcorp Genetics (formerly Invitae), Labcorp
Classification: Uncertain significance. Last evaluated: 2022-04-11. Review status: criteria provided, single submitter. Criteria: Invitae Variant Classification Sherloc (09022015). Collection method: clinical testing. Allele origin: germline.
Comment: This sequence change replaces glycine, which is neutral and non-polar, with aspartic acid, which is acidic and polar, at codon 226 of the EYS protein (p.Gly226Asp). The frequency data for this variant in the population databases is considered unreliable, as metrics indicate poor data quality at this position in the gnomAD database. This variant has not been reported in the literature in individuals affected with EYS-related conditions. Algorithms developed to predict the effect of missense changes on protein structure and function output the following: SIFT: "Deleterious"; PolyPhen-2: "Probably Damaging"; Align-GVGD: "Class C15". The aspartic acid amino acid residue is found in multiple mammalian species, which suggests that this missense change does not adversely affect protein function. In summary, the available evidence is currently insufficient to determine the role of this variant in disease. Therefore, it has been classified as a Variant of Uncertain Significance.

Blueprint Genetics
Classification: Uncertain significance. Last evaluated: 2019-10-01. Review status: criteria provided, single submitter. Criteria: ACMG Guidelines, 2015. Collection method: clinical testing. Allele origin: germline.